The following is an entry in ClinVar:

ClinVar aggregate classification (germline): Uncertain significance (1 of 4 stars; one submission).

Conditions:
Hereditary cancer-predisposing syndrome. Also called: Neoplastic Syndromes, Hereditary; Tumor predisposition; Hereditary Cancer Syndrome; Hereditary neoplastic syndrome. Identifiers: Orphanet 140162, MedGen C0027672, MeSH D009386, MONDO:0015356.

Submission:

Ambry Genetics
Classification: Uncertain significance for Hereditary cancer-predisposing syndrome. Last evaluated: 2025-12-24. Review status: criteria provided, single submitter. Criteria: Ambry Variant Classification Scheme 2023. Collection method: clinical testing. Allele origin: germline.
Comment: The p.G171C variant (also known as c.511G>T), located in coding exon 4 of the STK11 gene, results from a G to T substitution at nucleotide position 511. The glycine at codon 171 is replaced by cysteine, an amino acid with highly dissimilar properties. This amino acid position is highly conserved in available vertebrate species. In addition, this alteration is predicted to be deleterious by in silico analysis. Based on the available evidence, the clinical significance of this variant remains unclear.

NM_000455.5(STK11):c.511G>T (p.Gly171Cys)

Gene: STK11 (serine/threonine kinase 11; plus strand). Cytogenetic location: 19p13.3.
Variant type: single nucleotide variant.
Coding change: c.511G>T on transcript NM_000455.5 (MANE Select); coding-DNA position 511, G replaced by T.
Protein change: p.Gly171Cys; replaces glycine 171 with cysteine.
Molecular consequence: missense variant. On other transcripts: non-coding transcript variant (1).
Genome position (GRCh38, 1-based): chr19:1,220,419, G>T. VCF-style: chr19-1220419-G-T. GRCh37 (hg19) VCF-style: chr19-1220418-G-T.
Other names: c.511G>T, p.Gly171Cys (NM_001407255.1); short protein forms G171C.
Identifiers: ClinVar variation 4843197 (VCV004843197.1).